The following is an entry in ClinVar:

NM_022114.4(PRDM16):c.2986C>T (p.Arg996Trp)

Gene: PRDM16 (PR/SET domain 16; plus strand). Cytogenetic location: 1p36.32.
Variant type: single nucleotide variant.
Coding change: c.2986C>T on transcript NM_022114.4 (MANE Select); coding-DNA position 2986, C replaced by T.
Protein change: p.Arg996Trp; replaces arginine 996 with tryptophan.
Molecular consequence: missense variant.
Genome position (GRCh38, 1-based): chr1:3,425,627, C>T. VCF-style: chr1-3425627-C-T. GRCh37 (hg19) VCF-style: chr1-3342191-C-T.
Other names: c.2986C>T, p.Arg996Trp (NM_199454.3); short protein forms R996W.
Identifiers: ClinVar variation 2501608 (VCV002501608.1), dbSNP rs2523948863, ClinGen allele CA338002202.
Genomic context (GRCh38, chr1:3,425,627, plus strand): 5'-TGTGCCCCTTCCAGGTGTAAGTACTGCGACCGCTCCTTCAGCATCTCTTCGAACCTCCAG[C>T]GGCACGTCCGGAACATCCACAACAAGGAGAAGCCTTTCAAGTGCCACCTGTGCAACCGCT-3'
Protein context (NP_071397.3, residues 986-1006): RSFSISSNLQ[Arg996Trp]HVRNIHNKEK

ClinVar aggregate classification (germline): Uncertain significance (1 of 4 stars; one submission).

Submission:

GeneDx
Classification: Uncertain significance. Last evaluated: 2022-11-04. Review status: criteria provided, single submitter. Criteria: GeneDx Variant Classification Process June 2021. Collection method: clinical testing. Allele origin: germline. Affected: yes.
Comment: Not observed at significant frequency in large population cohorts (gnomAD); In silico analysis supports that this missense variant has a deleterious effect on protein structure/function; Has not been previously published as pathogenic or benign to our knowledge